The following is an entry in ClinVar:

ClinVar aggregate classification (germline): Uncertain significance (1 of 4 stars; one submission).

Conditions:
PHGDH deficiency. Identifiers: Orphanet 79351, MedGen C1866174, MONDO:0011152, OMIM 601815.

Allele frequency attached by ClinVar (database versions not stated): ExAC 0.00002; ESP Exome Variant Server 0.00008.
gnomAD v4.1: 139 of 1,612,906 alleles (0.0086%); highest among the groups gnomAD compares: Non-Finnish European, 0.011%; 1 homozygote.

Submission:

Labcorp Genetics (formerly Invitae), Labcorp
Classification: Uncertain significance for PHGDH deficiency. Last evaluated: 2022-07-25. Review status: criteria provided, single submitter. Criteria: Invitae Variant Classification Sherloc (09022015). Collection method: clinical testing. Allele origin: germline.
Comment: This sequence change replaces alanine, which is neutral and non-polar, with serine, which is neutral and polar, at codon 373 of the PHGDH protein (p.Ala373Ser). This variant is present in population databases (rs201553627, gnomAD 0.01%). This missense change has been observed in individual(s) with clinical features of phosphoglycerate dehydrogenase deficiency (PMID: 33087887). Algorithms developed to predict the effect of missense changes on protein structure and function are either unavailable or do not agree on the potential impact of this missense change (SIFT: "Tolerated"; PolyPhen-2: "Possibly Damaging"; Align-GVGD: "Class C0"). In summary, the available evidence is currently insufficient to determine the role of this variant in disease. Therefore, it has been classified as a Variant of Uncertain Significance.

Literature cited by the submitters: PubMed 33087887.

NM_006623.4(PHGDH):c.1117G>T (p.Ala373Ser)

Gene: PHGDH (phosphoglycerate dehydrogenase; plus strand). Cytogenetic location: 1p12.
Variant type: single nucleotide variant.
Coding change: c.1117G>T on transcript NM_006623.4 (MANE Select); coding-DNA position 1117, G replaced by T.
Protein change: p.Ala373Ser; replaces alanine 373 with serine.
Molecular consequence: missense variant.
Genome position (GRCh38, 1-based): chr1:119,741,805, G>T. VCF-style: chr1-119741805-G-T. GRCh37 (hg19) VCF-style: chr1-120284428-G-T.
Other names: short protein forms A373S.
Identifiers: ClinVar variation 2142237 (VCV002142237.1), dbSNP rs201553627, ClinGen allele CA1037367.
Genomic context (GRCh38, chr1:119,741,805, plus strand): 5'-GGTAGCTTCTCTCTGTCCCCAGGAACATCCCTGAAGAATGCTGGGAACTGCCTAAGCCCC[G>T]CAGTCATTGTCGGCCTCCTGAAAGAGGCTTCCAAGCAGGCGGATGTGAACTTGGTGAACG-3'
Protein context (NP_006614.2, residues 363-383): LKNAGNCLSP[Ala373Ser]VIVGLLKEAS